The following is an entry in ClinVar:

NM_001349338.3(FOXP1):c.1592_1606del (p.Gly531_Thr535del)

Gene: FOXP1 (forkhead box P1; minus strand). Cytogenetic location: 3p13.
Variant type: Deletion.
Coding change: c.1592_1606del on transcript NM_001349338.3 (MANE Select); coding-DNA positions 1592 to 1606, 15 bases deleted (GGGCAGTATGGACAG).
Protein change: p.Gly531_Thr535del.
Molecular consequence: inframe deletion. On other transcripts: non-coding transcript variant (2), intron variant (1).
Genome position (GRCh38, 1-based): chr3:70,972,601-70,972,615, CTGTCCATACTGCCC deleted on the plus strand (GGGCAGTATGGACAG on the coding strand, the reverse complement: FOXP1 is on the minus strand); deleting any 15 consecutive bases within chr3:70,972,601-70,972,617 gives the same sequence; the c. name uses the placement nearest the transcript's 3' end. VCF-style (leftmost placement, unchanged base first): chr3-70972600-ACTGTCCATACTGCCC-A. GRCh37 (hg19) VCF-style: chr3-71021751-ACTGTCCATACTGCCC-A.
Other names: c.1589_1603del, p.Gly530_Thr534del (NM_001244808.3, NM_001349341.3); c.1364_1378del, p.Gly455_Thr459del (NM_001244812.3); c.1292_1306del, p.Gly431_Thr435del (NM_001244813.3, NM_001244815.2, NM_001349342.3); c.1592_1606del, p.Gly531_Thr535del (NM_001244814.3, NM_001244816.2, NM_001349340.3 and 1 more transcripts); c.1289_1303del, p.Gly430_Thr434del (NM_001349337.2, NM_001349343.3, NM_001349344.3 and 1 more transcripts); c.1531-435_1531-421del (NM_001244810.2).
Identifiers: ClinVar variation 1690754 (VCV001690754.2), dbSNP rs2107198177, ClinGen allele CA2573137429.
Genomic context (GRCh38, chr3:70,972,600, plus strand): 5'-ACATGGTGGACGTACCCACTGATCTTTTGTGGCCTTCGTTTTTGGAATTCTACTTCATCC[ACTGTCCATACTGCCC>A]CTTTAACGTTTTCTACTCGCACAAAACACTTGTGAAGACTAAGATTATGACGCACTGCAT-3'

ClinVar aggregate classification (germline): Uncertain significance (1 of 4 stars; one submission).

Submission:

Laboratorio de Genetica e Diagnostico Molecular, Hospital Israelita Albert Einstein
Classification: Uncertain significance. Last evaluated: 2019-12-26. Review status: criteria provided, single submitter. Criteria: ACMG Guidelines, 2015. Collection method: clinical testing. Allele origin: germline. Affected: yes.
Comment: ACMG classification criteria: PM2, PM4